The following is an entry in ClinVar:

NM_000057.4(BLM):c.1342A>G (p.Asn448Asp)

Gene: BLM (BLM RecQ like helicase; plus strand). Cytogenetic location: 15q26.1.
Variant type: single nucleotide variant.
Coding change: c.1342A>G on transcript NM_000057.4 (MANE Select); coding-DNA position 1342, A replaced by G.
Protein change: p.Asn448Asp; replaces asparagine 448 with aspartic acid.
Molecular consequence: missense variant.
Genome position (GRCh38, 1-based): chr15:90,760,715, A>G. VCF-style: chr15-90760715-A-G. GRCh37 (hg19) VCF-style: chr15-91303945-A-G.
Other names: c.1342A>G, p.Asn448Asp (NM_001287246.2, NM_001287247.2); c.217A>G, p.Asn73Asp (NM_001287248.2); short protein forms N448D, N73D.
Identifiers: ClinVar variation 2566841 (VCV002566841.2), dbSNP rs755998510, ClinGen allele CA7738525.

ClinVar aggregate classification (germline): Uncertain significance (1 of 4 stars; one submission).

Conditions:
Hereditary cancer-predisposing syndrome. Also called: Hereditary neoplastic syndrome; Hereditary Cancer Syndrome; Neoplastic Syndromes, Hereditary; Tumor predisposition. Identifiers: Orphanet 140162, MedGen C0027672, MeSH D009386, MONDO:0015356.

Allele frequency attached by ClinVar (database versions not stated): gnomAD exomes below 0.00001; ExAC 0.00001.
gnomAD v4.1: 2 of 1,614,114 alleles (0.00012%); highest among the groups gnomAD compares: Non-Finnish European, 0.00017%; no homozygotes.

Submission:

Ambry Genetics
Classification: Uncertain significance for Hereditary cancer-predisposing syndrome. Last evaluated: 2023-05-19. Review status: criteria provided, single submitter. Criteria: Ambry Variant Classification Scheme 2023. Collection method: clinical testing. Allele origin: germline.
Comment: The p.N448D variant (also known as c.1342A>G), located in coding exon 6 of the BLM gene, results from an A to G substitution at nucleotide position 1342. The asparagine at codon 448 is replaced by aspartic acid, an amino acid with highly similar properties. This amino acid position is conserved. In addition, this alteration is predicted to be tolerated by in silico analysis. Since supporting evidence is limited at this time, the clinical significance of this alteration remains unclear.